The following is an entry in ClinVar:

ClinVar aggregate classification (germline): Pathogenic/Likely pathogenic. Review status: criteria provided, multiple submitters, no conflicts (2 of 4 stars). 4 submissions from 4 submitters: Pathogenic (1); Likely pathogenic (3). Last evaluated 2025-06-27.

Conditions:
Leigh syndrome (NULS). Also called: LEIGH SYNDROME, NUCLEAR; Leigh's necrotizing encephalopathy; Leigh's disease; Leigh Syndrome (mtDNA deletion); Leigh's syndrome; Leigh Disease. Identifiers: Orphanet 506, MedGen C2931891, MONDO:0009723, OMIM 256000.
Cardioencephalomyopathy, fatal infantile, due to cytochrome c oxidase deficiency 2 (MC4DN6). Also called: MITOCHONDRIAL COMPLEX IV DEFICIENCY, NUCLEAR TYPE 6. Identifiers: Orphanet 1561, MedGen C3554534, MONDO:0014051, OMIM 615119.

Allele frequency attached by ClinVar (database versions not stated): gnomAD 0.00001; TOPMed 0.00002; gnomAD exomes 0.00007; ExAC 0.00009.
gnomAD v4.1: 18 of 1,613,660 alleles (0.0011%); highest among the groups gnomAD compares: Admixed American, 0.027%; no homozygotes.

Submissions (4):

Dasa
Classification: Likely pathogenic. Last evaluated: 2025-06-27. Review status: criteria provided, single submitter. Criteria: DASA Assertion Criteria. Collection method: clinical testing. Allele origin: germline.
Comment: NM_078470.6(COX15):c.305G>A (p.Trp102*) is a nonsense variant in COX15 predicted to introduce a premature termination codon and is predicted to result in an absent or altered protein product. Loss of function is an established disease mechanism for COX15-associated disorders. Also, this variant is rare in population databases. Based on the currently available evidence, this variant is classified as likely pathogenic.

Fulgent Genetics
Classification: Likely pathogenic for Cardioencephalomyopathy, fatal infantile, due to cytochrome c oxidase deficiency 2. Last evaluated: 2024-03-18. Review status: criteria provided, single submitter. Criteria: ACMG Guidelines, 2015. Collection method: clinical testing. Allele origin: germline.

Labcorp Genetics (formerly Invitae), Labcorp
Classification: Pathogenic. Last evaluated: 2024-03-03. Review status: criteria provided, single submitter. Criteria: Invitae Variant Classification Sherloc (09022015). Collection method: clinical testing. Allele origin: germline.
Comment: This sequence change creates a premature translational stop signal (p.Trp102*) in the COX15 gene. It is expected to result in an absent or disrupted protein product. Loss-of-function variants in COX15 are known to be pathogenic (PMID: 15863660, 21412973). This variant is present in population databases (rs778412019, gnomAD 0.03%). This variant has not been reported in the literature in individuals affected with COX15-related conditions. ClinVar contains an entry for this variant (Variation ID: 1029833). For these reasons, this variant has been classified as Pathogenic.

Women's Health and Genetics/Laboratory Corporation of America, LabCorp
Classification: Likely pathogenic for Leigh syndrome. Last evaluated: 2022-10-13. Review status: criteria provided, single submitter. Criteria: LabCorp Variant Classification Summary - May 2015. Collection method: clinical testing. Allele origin: germline.
Comment: Variant summary: COX15 c.305G>A (p.Trp102X) results in a premature termination codon, predicted to cause a truncation of the encoded protein or absence of the protein due to nonsense mediated decay. A truncation downstream of this position have been classified as pathogenic by our laboratory. The variant allele was found at a frequency of 6.8e-05 in 251298 control chromosomes. This frequency is not significantly higher than expected for a pathogenic variant in COX15 causing Leigh Syndrome (6.8e-05 vs 0.0013), allowing no conclusion about variant significance. To our knowledge, no occurrence of c.305G>A in individuals affected with Leigh Syndrome and no experimental evidence demonstrating its impact on protein function have been reported. One clinical diagnostic laboratory has submitted clinical-significance assessments for this variant to ClinVar after 2014 without evidence for independent evaluation. One laboratory classified the variant as pathogenic. Based on the evidence outlined above, the variant was classified as likely pathogenic.

Literature cited by the submitters: PubMed 15863660 (cited by Labcorp Genetics (formerly Invitae), Labcorp); PubMed 21412973 (cited by Labcorp Genetics (formerly Invitae), Labcorp).

NM_078470.6(COX15):c.305G>A (p.Trp102Ter)

Gene: COX15 (cytochrome c oxidase assembly factor COX15; minus strand). Cytogenetic location: 10q24.2.
Variant type: single nucleotide variant.
Coding change: c.305G>A on transcript NM_078470.6 (MANE Select); coding-DNA position 305, G replaced by A.
Protein change: p.Trp102Ter; replaces tryptophan 102 with a stop codon.
Molecular consequence: nonsense. On other transcripts: 5 prime UTR variant (1), non-coding transcript variant (1).
Genome position (GRCh38, 1-based): chr10:99,727,531, C>T on the plus strand (G>A on the coding strand, the complement: COX15 is on the minus strand). VCF-style: chr10-99727531-C-T. GRCh37 (hg19) VCF-style: chr10-101487288-C-T.
Other names: c.305G>A, p.Trp102Ter (NM_001320974.2, NM_001320975.2, NM_001372024.1 and 5 more transcripts); c.-150G>A (NM_001320976.2); short protein forms W102*.
Identifiers: ClinVar variation 1029833 (VCV001029833.8), dbSNP rs778412019, ClinGen allele CA5642300.